The following is an entry in ClinVar:

NM_000487.6(ARSA):c.943C>A (p.Pro315Thr)

Gene: ARSA (arylsulfatase A; minus strand). Cytogenetic location: 22q13.33.
Variant type: single nucleotide variant.
Coding change: c.943C>A on transcript NM_000487.6 (MANE Select); coding-DNA position 943, C replaced by A.
Protein change: p.Pro315Thr; replaces proline 315 with threonine.
Molecular consequence: missense variant.
Genome position (GRCh38, 1-based): chr22:50,626,190, G>T on the plus strand (C>A on the coding strand, the complement: ARSA is on the minus strand). VCF-style: chr22-50626190-G-T. GRCh37 (hg19) VCF-style: chr22-51064618-G-T.
Other names: c.685C>A, p.Pro229Thr (NM_001085428.3, NM_001362782.2); c.943C>A, p.Pro315Thr (NM_001085425.3, NM_001085426.3, NM_001085427.3); short protein forms P229T, P315T.
Identifiers: ClinVar variation 4803206 (VCV004803206.1).

ClinVar aggregate classification (germline): Uncertain significance (1 of 4 stars; one submission).

Conditions:
Metachromatic leukodystrophy (MLD). Also called: METACHROMATIC LEUKOENCEPHALOPATHY; SULFATIDE LIPIDOSIS; Cerebral sclerosis diffuse metachromatic form; Arylsulfatase A Deficiency; ARSA DEFICIENCY; CEREBROSIDE SULFATASE DEFICIENCY. Identifiers: Orphanet 512, MedGen C0023522, MONDO:0018868, OMIM 250100.

Submission:

Labcorp Genetics (formerly Invitae), Labcorp
Classification: Uncertain significance for Metachromatic leukodystrophy. Last evaluated: 2025-10-02. Review status: criteria provided, single submitter. Criteria: Invitae Variant Classification Sherloc (09022015). Collection method: clinical testing. Allele origin: germline.
Comment: This sequence change replaces proline, which is neutral and non-polar, with threonine, which is neutral and polar, at codon 315 of the ARSA protein (p.Pro315Thr). This variant is not present in population databases (gnomAD no frequency). This variant has not been reported in the literature in individuals affected with ARSA-related conditions. Invitae Evidence Modeling of protein sequence and biophysical properties (such as structural, functional, and spatial information, amino acid conservation, physicochemical variation, residue mobility, and thermodynamic stability) indicates that this missense variant is expected to disrupt ARSA protein function with a positive predictive value of 95%. In summary, the available evidence is currently insufficient to determine the role of this variant in disease. Therefore, it has been classified as a Variant of Uncertain Significance.